The following is an entry in ClinVar:

NM_004132.5(HABP2):c.396C>T (p.Pro132=)

Gene: HABP2 (hyaluronan binding protein 2; plus strand). Cytogenetic location: 10q25.3.
Variant type: single nucleotide variant.
Coding change: c.396C>T on transcript NM_004132.5 (MANE Select); coding-DNA position 396, C replaced by T.
Protein change: p.Pro132=; no amino-acid change (proline 132 retained).
Molecular consequence: synonymous variant.
Genome position (GRCh38, 1-based): chr10:113,577,214, C>T. VCF-style: chr10-113577214-C-T. GRCh37 (hg19) VCF-style: chr10-115336973-C-T.
Other names: c.396C>T (NM_004132.4); c.318C>T, p.Pro106= (NM_001177660.3).
Identifiers: ClinVar variation 298901 (VCV000298901.7), dbSNP rs111397043, ClinGen allele CA5693602.

ClinVar aggregate classification (germline): Uncertain significance. Review status: criteria provided, single submitter (1 of 4 stars). 2 submissions from 2 submitters: Uncertain significance (1). 1 of the submissions does not count toward it. Last evaluated 2018-01-13.

Conditions:
HABP2-related disorder. Also called: HABP2-related condition.
Factor VII-activating protease marburg I. Identifiers: MedGen CN068943.

Allele frequency attached by ClinVar (database versions not stated): ExAC 0.00021; gnomAD exomes 0.00032 and 0.00042; ESP Exome Variant Server 0.00046; gnomAD 0.00048 and 0.00049; TOPMed 0.00065; 1000 Genomes Project 0.00080; 1000 Genomes Project 30x 0.00109.
gnomAD v4.1: 679 of 1,613,114 alleles (0.042%); highest among the groups gnomAD compares: Admixed American, 0.085%; 1 homozygote.

Submissions (2):

Illumina Laboratory Services, Illumina
Classification: Uncertain significance for Factor VII Marburg I Variant Thrombophilia. Last evaluated: 2018-01-13. Review status: criteria provided, single submitter. Criteria: ICSL Variant Classification Criteria 13 December 2019. Collection method: clinical testing. Allele origin: germline.

PreventionGenetics, part of Exact Sciences
Classification: Likely benign for HABP2-related condition. Last evaluated: 2020-01-31. Review status: no assertion criteria provided. Collection method: clinical testing. Allele origin: germline. Not counted in ClinVar's aggregate classification.
Comment: This variant is classified as likely benign based on ACMG/AMP sequence variant interpretation guidelines (Richards et al. 2015 PMID: 25741868, with internal and published modifications).